The following is an entry in ClinVar:

ClinVar aggregate classification (germline): Uncertain significance (1 of 4 stars; one submission).

Conditions:
RASopathy. Also called: Noonan spectrum disorder; rasopathies. Identifiers: Orphanet 536391, MedGen C5555857, MONDO:0021060.

Submission:

Labcorp Genetics (formerly Invitae), Labcorp
Classification: Uncertain significance for RASopathy. Last evaluated: 2022-03-11. Review status: criteria provided, single submitter. Criteria: Invitae Variant Classification Sherloc (09022015). Collection method: clinical testing. Allele origin: germline.
Comment: In summary, the available evidence is currently insufficient to determine the role of this variant in disease. Therefore, it has been classified as a Variant of Uncertain Significance. Advanced modeling of protein sequence and biophysical properties (such as structural, functional, and spatial information, amino acid conservation, physicochemical variation, residue mobility, and thermodynamic stability) performed at Invitae indicates that this missense variant is expected to disrupt BRAF protein function. This variant has not been reported in the literature in individuals affected with BRAF-related conditions. This variant is not present in population databases (gnomAD no frequency). This sequence change replaces threonine, which is neutral and polar, with alanine, which is neutral and non-polar, at codon 233 of the BRAF protein (p.Thr233Ala).

NM_004333.6(BRAF):c.697A>G (p.Thr233Ala)

Gene: BRAF (B-Raf proto-oncogene, serine/threonine kinase; minus strand). Cytogenetic location: 7q34.
Variant type: single nucleotide variant.
Coding change: c.697A>G on transcript NM_004333.6 (MANE Select); coding-DNA position 697, A replaced by G.
Protein change: p.Thr233Ala; replaces threonine 233 with alanine.
Molecular consequence: missense variant.
Genome position (GRCh38, 1-based): chr7:140,807,974, T>C on the plus strand (A>G on the coding strand, the complement: BRAF is on the minus strand). VCF-style: chr7-140807974-T-C. GRCh37 (hg19) VCF-style: chr7-140507774-T-C.
Other names: c.697A>G, p.Thr233Ala (NM_001354609.2, NM_001374244.1, NM_001374258.1 and 4 more transcripts); c.706A>G, p.Thr236Ala (NM_001378467.1); c.595A>G, p.Thr199Ala (NM_001378470.1); c.541A>G, p.Thr181Ala (NM_001378472.1, NM_001378473.1); c.433A>G, p.Thr145Ala (NM_001378475.1); short protein forms T145A, T181A, T233A, T199A, T236A.
Identifiers: ClinVar variation 2108686 (VCV002108686.4), dbSNP rs2536357990, ClinGen allele CA369590960.